The following is an entry in ClinVar:

NM_000264.5(PTCH1):c.253A>G (p.Arg85Gly)

Gene: PTCH1 (patched 1; minus strand). Cytogenetic location: 9q22.32.
Variant type: single nucleotide variant.
Coding change: c.253A>G on transcript NM_000264.5 (MANE Select); coding-DNA position 253, A replaced by G.
Protein change: p.Arg85Gly; replaces arginine 85 with glycine.
Molecular consequence: missense variant. On other transcripts: 5 prime UTR variant (4), non-coding transcript variant (1).
Genome position (GRCh38, 1-based): chr9:95,506,548, T>C on the plus strand (A>G on the coding strand, the complement: PTCH1 is on the minus strand). VCF-style: chr9-95506548-T-C. GRCh37 (hg19) VCF-style: chr9-98268830-T-C.
Other names: c.55A>G, p.Arg19Gly (NM_001083602.3, NM_001354919.2); c.250A>G, p.Arg84Gly (NM_001083603.3); c.-201A>G (NM_001083604.3, NM_001083605.3, NM_001083606.3 and 1 more transcripts); c.253A>G, p.Arg85Gly (NM_001354918.2); short protein forms R19G, R85G, R84G.
Identifiers: ClinVar variation 486214 (VCV000486214.12), dbSNP rs1554708772, ClinGen allele CA374120517.

ClinVar aggregate classification (germline): Uncertain significance. Review status: criteria provided, multiple submitters, no conflicts (2 of 4 stars). 2 submissions from 2 submitters: Uncertain significance (2). Last evaluated 2024-06-17.

Conditions:
Hereditary cancer-predisposing syndrome. Also called: Tumor predisposition; Neoplastic Syndromes, Hereditary; Hereditary Cancer Syndrome; Hereditary neoplastic syndrome. Identifiers: Orphanet 140162, MedGen C0027672, MeSH D009386, MONDO:0015356.
Gorlin syndrome. Also called: Basal cell nevus syndrome; Nevoid Basal Cell Carcinoma Syndrome. Identifiers: Orphanet 377, MedGen C0004779, MONDO:0007187.

Allele frequency attached by ClinVar (database versions not stated): gnomAD exomes below 0.00001.
gnomAD v4.1: 1 of 1,613,240 alleles (0.000062%); highest among the groups gnomAD compares: Non-Finnish European, 0.000085%; no homozygotes.

Submissions (2):

Ambry Genetics
Classification: Uncertain significance for Hereditary cancer-predisposing syndrome. Last evaluated: 2024-06-17. Review status: criteria provided, single submitter. Criteria: Ambry Variant Classification Scheme 2023. Collection method: clinical testing. Allele origin: germline.
Comment: The p.R85G variant (also known as c.253A>G), located in coding exon 2 of the PTCH1 gene, results from an A to G substitution at nucleotide position 253. The arginine at codon 85 is replaced by glycine, an amino acid with dissimilar properties. This amino acid position is well conserved in available vertebrate species. In addition, the in silico prediction for this alteration is inconclusive. Since supporting evidence is limited at this time, the clinical significance of this alteration remains unclear.

Labcorp Genetics (formerly Invitae), Labcorp
Classification: Uncertain significance for Gorlin syndrome. Last evaluated: 2021-08-23. Review status: criteria provided, single submitter. Criteria: Invitae Variant Classification Sherloc (09022015). Collection method: clinical testing. Allele origin: germline.
Comment: This sequence change replaces arginine with glycine at codon 85 of the PTCH1 protein (p.Arg85Gly). The arginine residue is weakly conserved and there is a moderate physicochemical difference between arginine and glycine. This variant is not present in population databases (ExAC no frequency). This variant has not been reported in the literature in individuals affected with PTCH1-related conditions. ClinVar contains an entry for this variant (Variation ID: 486214). Advanced modeling of protein sequence and biophysical properties (such as structural, functional, and spatial information, amino acid conservation, physicochemical variation, residue mobility, and thermodynamic stability) performed at Invitae indicates that this missense variant is not expected to disrupt PTCH1 protein function. In summary, the available evidence is currently insufficient to determine the role of this variant in disease. Therefore, it has been classified as a Variant of Uncertain Significance.